The following is an entry in ClinVar:

ClinVar aggregate classification (germline): Uncertain significance. Review status: criteria provided, multiple submitters, no conflicts (2 of 4 stars). 2 submissions from 2 submitters: Uncertain significance (2). Last evaluated 2026-01-31.

Conditions:
Progressive sclerosing poliodystrophy (MTDPS4A). Also called: ALPERS PROGRESSIVE INFANTILE POLIODYSTROPHY; Mitochondrial DNA depletion syndrome 4A (Alpers type); ALPERS DIFFUSE DEGENERATION OF CEREBRAL GRAY MATTER WITH HEPATIC CIRRHOSIS; Alpers-Huttenlocher Syndrome; Alpers-Huttenlocher Syndrome (AHS); Alpers Syndrome. Identifiers: Orphanet 726, MedGen C0205710, MONDO:0008758, OMIM 203700.

Allele frequency attached by ClinVar (database versions not stated): gnomAD 0.00003; TOPMed 0.00005; gnomAD exomes 0.00006; ExAC 0.00007.
gnomAD v4.1: 35 of 1,614,008 alleles (0.0022%); highest among the groups gnomAD compares: Non-Finnish European, 0.00034%; no homozygotes.

Submissions (2):

Labcorp Genetics (formerly Invitae), Labcorp
Classification: Uncertain significance for Progressive sclerosing poliodystrophy. Last evaluated: 2026-01-31. Review status: criteria provided, single submitter. Criteria: Invitae Variant Classification Sherloc (09022015). Collection method: clinical testing. Allele origin: germline.
Comment: This sequence change replaces glutamic acid, which is acidic and polar, with glutamine, which is neutral and polar, at codon 1143 of the POLG protein (p.Glu1143Gln). This variant is present in population databases (rs765123635, gnomAD 0.1%). This variant has not been reported in the literature in individuals affected with POLG-related conditions. ClinVar contains an entry for this variant (Variation ID: 957651). Invitae Evidence Modeling of protein sequence and biophysical properties (such as structural, functional, and spatial information, amino acid conservation, physicochemical variation, residue mobility, and thermodynamic stability) has been performed for this missense variant. However, the output from this modeling did not meet the statistical confidence thresholds required to predict the impact of this variant on POLG protein function. In summary, the available evidence is currently insufficient to determine the role of this variant in disease. Therefore, it has been classified as a Variant of Uncertain Significance.

GeneDx
Classification: Uncertain significance. Last evaluated: 2022-11-22. Review status: criteria provided, single submitter. Criteria: GeneDx Variant Classification Process June 2021. Collection method: clinical testing. Allele origin: germline. Affected: yes.
Comment: In silico analysis supports that this missense variant does not alter protein structure/function; Has not been previously published as pathogenic or benign to our knowledge

NM_002693.3(POLG):c.3427G>C (p.Glu1143Gln)

Gene: POLG (DNA polymerase gamma, catalytic subunit; minus strand). Cytogenetic location: 15q26.1.
Variant type: single nucleotide variant.
Coding change: c.3427G>C on transcript NM_002693.3 (MANE Select); coding-DNA position 3427, G replaced by C.
Protein change: p.Glu1143Gln; replaces glutamic acid 1143 with glutamine.
Molecular consequence: missense variant.
Genome position (GRCh38, 1-based): chr15:89,318,596, C>G on the plus strand (G>C on the coding strand, the complement: POLG is on the minus strand). VCF-style: chr15-89318596-C-G. GRCh37 (hg19) VCF-style: chr15-89861827-C-G.
Other names: c.3427G>C, p.Glu1143Gln (NM_001126131.2); short protein forms E1143Q.
Identifiers: ClinVar variation 957651 (VCV000957651.10), dbSNP rs765123635, ClinGen allele CA7724142.
Genomic context (GRCh38, chr15:89,318,596, plus strand): 5'-CATACCTGGTCAAGAGGTTGGTGATCTGCAAGGCCAGGGCAGCGCGGTAGCGGTCCTCCT[C>G]CCGCACCAGGTAGCGAACCTCGTCATGGATGCTGATGCAGAAGCGCCCATCTATGGCAAA-3'
Protein context (NP_002684.1, residues 1133-1153): IHDEVRYLVR[Glu1143Gln]EDRYRAALAL